The following is an entry in ClinVar:

ClinVar aggregate classification (germline): Conflicting classifications of pathogenicity. Review status: criteria provided, conflicting classifications (1 of 4 stars). 4 submissions from 4 submitters: Uncertain significance (3); Likely benign (1). Last evaluated 2024-05-22.

Conditions:
Hereditary cancer-predisposing syndrome. Also called: Neoplastic Syndromes, Hereditary; Hereditary Cancer Syndrome; Tumor predisposition; Hereditary neoplastic syndrome. Identifiers: Orphanet 140162, MedGen C0027672, MeSH D009386, MONDO:0015356.
Hereditary breast ovarian cancer syndrome. Also called: Hereditary breast and ovarian cancer; Hereditary breast and ovarian cancer syndrome; Breast and ovarian cancer; BRCA1- and BRCA2-Associated Hereditary Breast and Ovarian Cancer; Hereditary breast and/or ovarian cancer syndrome; Hereditary breast and ovarian cancer syndrome (HBOC). Identifiers: Orphanet 145, MedGen C0677776, MeSH D061325, MONDO:0003582. Disease mechanism: loss of function.

Submissions (4):

GeneDx
Classification: Uncertain significance. Last evaluated: 2024-05-22. Review status: criteria provided, single submitter. Criteria: GeneDx Variant Classification Process June 2021. Collection method: clinical testing. Allele origin: germline. Affected: yes.
Comment: Not observed at significant frequency in large population cohorts (gnomAD); In silico analysis supports that this missense variant has a deleterious effect on protein structure/function; Has not been previously published as pathogenic or benign to our knowledge; Also known as 2882G>C; This variant is associated with the following publications: (PMID: 15343273)

University of Washington Department of Laboratory Medicine, University of Washington
Classification: Likely benign for Hereditary cancer-predisposing syndrome. Last evaluated: 2023-03-23. Review status: criteria provided, single submitter. Criteria: Dines et al. (Genet Med. 2020). Collection method: curation. Allele origin: germline.
Comment: Missense variant in a coldspot region where missense variants are very unlikely to be pathogenic (PMID:31911673).

BRCA1 coldspot (exon 11 using historical exon numbering). Reclassification based on statistical prior probability

Labcorp Genetics (formerly Invitae), Labcorp
Classification: Uncertain significance for Hereditary breast ovarian cancer syndrome. Last evaluated: 2022-02-04. Review status: criteria provided, single submitter. Criteria: Invitae Variant Classification Sherloc (09022015). Collection method: clinical testing. Allele origin: germline.
Comment: In summary, the available evidence is currently insufficient to determine the role of this variant in disease. Therefore, it has been classified as a Variant of Uncertain Significance. Advanced modeling of protein sequence and biophysical properties (such as structural, functional, and spatial information, amino acid conservation, physicochemical variation, residue mobility, and thermodynamic stability) performed at Invitae indicates that this missense variant is not expected to disrupt BRCA1 protein function. ClinVar contains an entry for this variant (Variation ID: 993200). This variant has not been reported in the literature in individuals affected with BRCA1-related conditions. This variant is not present in population databases (gnomAD no frequency). This sequence change replaces glutamine, which is neutral and polar, with histidine, which is basic and polar, at codon 921 of the BRCA1 protein (p.Gln921His).

Quest Diagnostics Nichols Institute San Juan Capistrano
Classification: Uncertain significance. Last evaluated: 2020-08-12. Review status: criteria provided, single submitter. Criteria: Quest Diagnostics criteria. Collection method: clinical testing. Allele origin: unknown.

NM_007294.4(BRCA1):c.2763G>C (p.Gln921His)

Gene: BRCA1 (BRCA1 DNA repair associated; minus strand). Cytogenetic location: 17q21.31.
Variant type: single nucleotide variant.
Coding change: c.2763G>C on transcript NM_007294.4 (MANE Select); coding-DNA position 2763, G replaced by C.
Protein change: p.Gln921His; replaces glutamine 921 with histidine.
Molecular consequence: missense variant. On other transcripts: intron variant (137).
Genome position (GRCh38, 1-based): chr17:43,092,768, C>G on the plus strand (G>C on the coding strand, the complement: BRCA1 is on the minus strand). VCF-style: chr17-43092768-C-G. GRCh37 (hg19) VCF-style: chr17-41244785-C-G.
Other names: c.2550G>C, p.Gln850His (NM_001407571.1, NM_001407853.1, NM_001407894.1 and 9 more transcripts); c.2763G>C, p.Gln921His (NM_001407581.1, NM_001407582.1, NM_001407583.1 and 30 more transcripts); c.2760G>C, p.Gln920His (NM_001407587.1, NM_001407590.1, NM_001407591.1 and 22 more transcripts); c.2754G>C, p.Gln918His (NM_001407646.1, NM_001407647.1); c.2640G>C, p.Gln880His (NM_001407648.1, NM_001407664.1, NM_001407665.1 and 19 more transcripts); c.2637G>C, p.Gln879His (NM_001407649.1, NM_001407670.1, NM_001407671.1 and 11 more transcripts); c.2685G>C, p.Gln895His (NM_001407653.1, NM_001407654.1, NM_001407655.1 and 4 more transcripts); c.2682G>C, p.Gln894His (NM_001407659.1, NM_001407660.1, NM_001407661.1 and 1 more transcripts); and 41 more; short protein forms Q874H, Q921H, Q793H, Q810H, Q851H, Q873H, Q920H, Q794H.
Identifiers: ClinVar variation 993200 (VCV000993200.10), dbSNP rs1057522511, ClinGen allele CA10596466.